The following is an entry in ClinVar:

ClinVar aggregate classification (germline): Uncertain significance (1 of 4 stars; one submission).

Conditions:
Dyskeratosis congenita, autosomal dominant 2. Identifiers: MedGen C3151443, MONDO:0013521, OMIM 613989.
Interstitial lung disease 2 (ILD2). Also called: FIBROCYSTIC PULMONARY DYSPLASIA; FIBROSING ALVEOLITIS, CRYPTOGENIC; Familial idiopathic pulmonary fibrosis. Identifiers: Orphanet 2032, Orphanet 79126, MedGen C5561926, MONDO:0800497, OMIM 178500, MONDO:0800029.

Submission:

Labcorp Genetics (formerly Invitae), Labcorp
Classification: Uncertain significance for Dyskeratosis congenita, autosomal dominant 2; Idiopathic Pulmonary Fibrosis. Last evaluated: 2017-03-30. Review status: criteria provided, single submitter. Criteria: Invitae Variant Classification Sherloc (09022015). Collection method: clinical testing. Allele origin: germline.
Comment: This variant is a gross duplication of the genomic region encompassing exons 7-16 of the TERT gene. The 5' boundary is likely confined to intron 6. The 3' end of this event is unknown as it extends beyond the assayed region for this gene and therefore may encompass additional genes. This gross duplication has not been reported in the literature in an individual with TERT-related disease. Experimental studies and prediction algorithms are not available for this variant, and the functional significance of the duplicated amino acids is currently unknown. In summary, the exact genomic location of this variant is unknown and the impact of this duplication on TERT protein function has not been established. Therefore, it has been classified as a Variant of Uncertain Significance

Single allele

Gene: TERT (telomerase reverse transcriptase; minus strand). Cytogenetic location: 5p15.33.
Variant type: Duplication.
Identifiers: ClinVar variation 471813 (VCV000471813.1).